The following is an entry in ClinVar:

ClinVar aggregate classification (germline): Uncertain significance (1 of 4 stars; one submission).

Allele frequency attached by ClinVar (database versions not stated): gnomAD exomes below 0.00001 and 0.00001; gnomAD 0.00001; TOPMed 0.00002.
gnomAD v4.1: 9 of 1,551,608 alleles (0.00058%); highest among the groups gnomAD compares: African/African-American, 0.0055%; no homozygotes.

Submission:

Labcorp Genetics (formerly Invitae), Labcorp
Classification: Uncertain significance. Last evaluated: 2024-11-18. Review status: criteria provided, single submitter. Criteria: Invitae Variant Classification Sherloc (09022015). Collection method: clinical testing. Allele origin: germline.
Comment: This sequence change replaces lysine, which is basic and polar, with glutamic acid, which is acidic and polar, at codon 575 of the DTHD1 protein (p.Lys575Glu). This variant is present in population databases (no rsID available, gnomAD 0.01%). This variant has not been reported in the literature in individuals affected with DTHD1-related conditions. ClinVar contains an entry for this variant (Variation ID: 1432124). An algorithm developed to predict the effect of missense changes on protein structure and function (PolyPhen-2) suggests that this variant is likely to be disruptive. In summary, the available evidence is currently insufficient to determine the role of this variant in disease. Therefore, it has been classified as a Variant of Uncertain Significance.

NM_001170700.3(DTHD1):c.2593A>G (p.Lys865Glu)

Gene: DTHD1 (death domain containing 1; plus strand). Cytogenetic location: 4p14.
Variant type: single nucleotide variant.
Coding change: c.2593A>G on transcript NM_001170700.3 (MANE Select); coding-DNA position 2593, A replaced by G.
Protein change: p.Lys865Glu; replaces lysine 865 with glutamic acid.
Molecular consequence: missense variant. On other transcripts: synonymous variant (1), non-coding transcript variant (2).
Genome position (GRCh38, 1-based): chr4:36,343,696, A>G. VCF-style: chr4-36343696-A-G. GRCh37 (hg19) VCF-style: chr4-36345318-A-G.
Other names: c.1723A>G, p.Lys575Glu (NM_001136536.5); c.1602A>G, p.Thr534= (NM_001378435.1); short protein forms K575E, K865E.
Identifiers: ClinVar variation 1432124 (VCV001432124.6), dbSNP rs1202359462, ClinGen allele CA356682438.